The following is an entry in ClinVar:

NM_002471.4(MYH6):c.2002C>T (p.His668Tyr)

Gene: MYH6 (myosin heavy chain 6; minus strand). Cytogenetic location: 14q11.2.
Variant type: single nucleotide variant.
Coding change: c.2002C>T on transcript NM_002471.4 (MANE Select); coding-DNA position 2002, C replaced by T.
Protein change: p.His668Tyr; replaces histidine 668 with tyrosine.
Molecular consequence: missense variant.
Genome position (GRCh38, 1-based): chr14:23,397,218, G>A on the plus strand (C>T on the coding strand, the complement: MYH6 is on the minus strand). VCF-style: chr14-23397218-G-A. GRCh37 (hg19) VCF-style: chr14-23866427-G-A.
Other names: short protein forms H668Y.
Identifiers: ClinVar variation 663630 (VCV000663630.11), dbSNP rs1351249262, ClinGen allele CA389019372.
Genomic context (GRCh38, chr14:23,397,218, plus strand): 5'-CTCCTGGCTCACCTGGAGCCTTCCGCTCATTGGGGATGATGCAACGCACAAAGTGAGGAT[G>A]GGTGGTCCTCAGGTTGGTCATTAGCTTGTTGAGATTTTCCTGGAGGCAGATGAAGGTGGG-3'
Protein context (NP_002462.2, residues 658-678): NKLMTNLRTT[His668Tyr]PHFVRCIIPN

ClinVar aggregate classification (germline): Uncertain significance. Review status: criteria provided, multiple submitters, no conflicts (2 of 4 stars). 3 submissions from 3 submitters: Uncertain significance (3). Last evaluated 2025-10-01.

Conditions:
Hypertrophic cardiomyopathy 14. Identifiers: MedGen C2750467, MONDO:0013197, OMIM 613251.
Cardiovascular phenotype. Identifiers: MedGen CN230736.

Allele frequency attached by ClinVar (database versions not stated): gnomAD exomes below 0.00001 and 0.00001; TOPMed 0.00002.
gnomAD v4.1: 8 of 1,614,230 alleles (0.0005%); highest among the groups gnomAD compares: Non-Finnish European, 0.00068%; no homozygotes.

Submissions (3):

Labcorp Genetics (formerly Invitae), Labcorp
Classification: Uncertain significance for Hypertrophic cardiomyopathy 14. Last evaluated: 2025-10-01. Review status: criteria provided, single submitter. Criteria: Invitae Variant Classification Sherloc (09022015). Collection method: clinical testing. Allele origin: germline.
Comment: This sequence change replaces histidine, which is basic and polar, with tyrosine, which is neutral and polar, at codon 668 of the MYH6 protein (p.His668Tyr). This variant is present in population databases (no rsID available, gnomAD 0.0009%). This missense change has been observed in individual(s) with dilated cardiomyopathy (PMID: 31983221). ClinVar contains an entry for this variant (Variation ID: 663630). Invitae Evidence Modeling of protein sequence and biophysical properties (such as structural, functional, and spatial information, amino acid conservation, physicochemical variation, residue mobility, and thermodynamic stability) indicates that this missense variant is not expected to disrupt MYH6 protein function with a negative predictive value of 80%. In summary, the available evidence is currently insufficient to determine the role of this variant in disease. Therefore, it has been classified as a Variant of Uncertain Significance.

GeneDx
Classification: Uncertain significance. Last evaluated: 2024-11-19. Review status: criteria provided, single submitter. Criteria: GeneDx Variant Classification Process June 2021. Collection method: clinical testing. Allele origin: germline. Affected: yes.
Comment: Identified in a patient with dilated cardiomyopathy in published literature; however, segregation data and clinical details were not provided (PMID: 31983221); Not observed at significant frequency in large population cohorts (gnomAD); In silico analysis supports that this missense variant has a deleterious effect on protein structure/function; This variant is associated with the following publications: (PMID: 31983221)

Ambry Genetics
Classification: Uncertain significance for Cardiovascular phenotype. Last evaluated: 2022-03-11. Review status: criteria provided, single submitter. Criteria: Ambry Variant Classification Scheme 2023. Collection method: clinical testing. Allele origin: germline.
Comment: The p.H668Y variant (also known as c.2002C>T), located in coding exon 15 of the MYH6 gene, results from a C to T substitution at nucleotide position 2002. The histidine at codon 668 is replaced by tyrosine, an amino acid with similar properties. This variant has been detected in a dilated cardiomyopathy cohort (Mazzarotto F et al. Circulation, 2020 02;141:387-398). This amino acid position is highly conserved in available vertebrate species. In addition, the in silico prediction for this alteration is inconclusive. Since supporting evidence is limited at this time, the clinical significance of this alteration remains unclear.

Literature cited by the submitters: PubMed 31983221 (cited by Labcorp Genetics (formerly Invitae), Labcorp and Ambry Genetics).